The following is an entry in ClinVar:

NM_005475.3(SH2B3):c.392G>C (p.Gly131Ala)

Gene: SH2B3 (SH2B adaptor protein 3; plus strand). Cytogenetic location: 12q24.12.
Variant type: single nucleotide variant.
Coding change: c.392G>C on transcript NM_005475.3 (MANE Select); coding-DNA position 392, G replaced by C.
Protein change: p.Gly131Ala; replaces glycine 131 with alanine.
Molecular consequence: missense variant.
Genome position (GRCh38, 1-based): chr12:111,418,537, G>C. VCF-style: chr12-111418537-G-C. GRCh37 (hg19) VCF-style: chr12-111856341-G-C.
Other names: short protein forms G131A.
Identifiers: ClinVar variation 4826784 (VCV004826784.1).

ClinVar aggregate classification (germline): Uncertain significance (1 of 4 stars; one submission).

Conditions:
Inborn genetic diseases. Identifiers: MedGen C0950123, MeSH D030342.

Submission:

Ambry Genetics
Classification: Uncertain significance for Inborn genetic diseases. Last evaluated: 2026-03-12. Review status: criteria provided, single submitter. Criteria: Ambry Variant Classification Scheme 2023. Collection method: clinical testing. Allele origin: germline.
Comment: The p.G131A variant (also known as c.392G>C), located in coding exon 1 of the SH2B3 gene, results from a G to C substitution at nucleotide position 392. The glycine at codon 131 is replaced by alanine, an amino acid with similar properties. This amino acid position is conserved. In addition, this alteration is predicted to be tolerated by in silico analysis. Based on the available evidence, the clinical significance of this variant remains unclear.